The following is an entry in ClinVar:

NM_015338.6(ASXL1):c.1699C>A (p.Pro567Thr)

Gene: ASXL1 (ASXL transcriptional regulator 1; plus strand). Cytogenetic location: 20q11.21.
Variant type: single nucleotide variant.
Coding change: c.1699C>A on transcript NM_015338.6 (MANE Select); coding-DNA position 1699, C replaced by A.
Protein change: p.Pro567Thr; replaces proline 567 with threonine.
Molecular consequence: missense variant.
Genome position (GRCh38, 1-based): chr20:32,433,897, C>A. VCF-style: chr20-32433897-C-A. GRCh37 (hg19) VCF-style: chr20-31021700-C-A.
Other names: c.1516C>A, p.Pro506Thr (NM_001363734.1); short protein forms P506T, P567T.
Identifiers: ClinVar variation 3793975 (VCV003793975.1).

ClinVar aggregate classification (germline): Uncertain significance (1 of 4 stars; one submission).

Conditions:
Inborn genetic diseases. Identifiers: MedGen C0950123, MeSH D030342.

Submission:

Ambry Genetics
Classification: Uncertain significance for Inborn genetic diseases. Last evaluated: 2025-03-03. Review status: criteria provided, single submitter. Criteria: Ambry Variant Classification Scheme 2023. Collection method: clinical testing. Allele origin: germline.
Comment: The p.P567T variant (also known as c.1699C>A), located in coding exon 12 of the ASXL1 gene, results from a C to A substitution at nucleotide position 1699. The proline at codon 567 is replaced by threonine, an amino acid with highly similar properties. This amino acid position is conserved. In addition, this alteration is predicted to be tolerated by in silico analysis. Based on the available evidence, the clinical significance of this variant remains unclear.